The following is an entry in ClinVar:

NM_000138.5(FBN1):c.5964C>T (p.Thr1988=)

Gene: FBN1 (fibrillin 1; minus strand). Cytogenetic location: 15q21.1.
Variant type: single nucleotide variant.
Coding change: c.5964C>T on transcript NM_000138.5 (MANE Select); coding-DNA position 5964, C replaced by T.
Protein change: p.Thr1988=; no amino-acid change (threonine 1988 retained).
Molecular consequence: synonymous variant.
Genome position (GRCh38, 1-based): chr15:48,444,614, G>A on the plus strand (C>T on the coding strand, the complement: FBN1 is on the minus strand). VCF-style: chr15-48444614-G-A. GRCh37 (hg19) VCF-style: chr15-48736811-G-A.
Identifiers: ClinVar variation 197608 (VCV000197608.32), dbSNP rs113022801, ClinGen allele CA016193.

ClinVar aggregate classification (germline): Conflicting classifications of pathogenicity. Review status: criteria provided, conflicting classifications (1 of 4 stars). 7 submissions from 7 submitters: Uncertain significance (1); Benign (4); Likely benign (2). Last evaluated 2025-12-16.

Conditions:
Marfan syndrome (MFS). Also called: Marfan syndrome, classic; FBN1-Related Marfan Syndrome; Marfan syndrome type 1; Marfan's syndrome; MARFAN SYNDROME, TYPE I. Identifiers: Orphanet 284963, Orphanet 558, MedGen C0024796, MONDO:0007947, OMIM 154700.
Familial thoracic aortic aneurysm and aortic dissection (TAAD). Also called: Thoracic aortic aneurysms and dissections. Identifiers: Orphanet 91387, MedGen C4707243, MONDO:0019625.

Allele frequency attached by ClinVar (database versions not stated): gnomAD exomes 0.00014 and 0.00037; ExAC 0.00040; 1000 Genomes Project 30x 0.00016; TOPMed 0.00002; 1000 Genomes Project 0.00020; gnomAD 0.00031 and 0.00034.
gnomAD v4.1: 265 of 1,613,588 alleles (0.016%); highest among the groups gnomAD compares: Non-Finnish European, 0.0042%; no homozygotes.

Submissions (7):

Labcorp Genetics (formerly Invitae), Labcorp
Classification: Benign for Marfan syndrome; Familial thoracic aortic aneurysm and aortic dissection. Last evaluated: 2025-12-16. Review status: criteria provided, single submitter. Criteria: Invitae Variant Classification Sherloc (09022015). Collection method: clinical testing. Allele origin: germline.

All of Us Research Program, National Institutes of Health
Classification: Benign for Marfan syndrome. Last evaluated: 2024-09-18. Review status: criteria provided, single submitter. Criteria: ACMG Guidelines, 2015. Collection method: clinical testing. Allele origin: germline. Inheritance: Autosomal dominant inheritance. Observed: 9 variant alleles, 9 heterozygotes.
Comment: This study involves interpretation of variants in research participants for the purpose of population health screening. Participant phenotype was not available at the time of variant classification. Additional details can be found in publication PMID: 35346344, PMCID: PMC8962531

Blueprint Genetics
Classification: Likely benign. Last evaluated: 2024-08-05. Review status: criteria provided, single submitter. Criteria: ACMG Guidelines, 2015. Collection method: clinical testing. Allele origin: germline.

ARUP Laboratories, Molecular Genetics and Genomics, ARUP Laboratories
Classification: Benign. Last evaluated: 2019-05-23. Review status: criteria provided, single submitter. Criteria: ARUP Molecular Germline Variant Investigation Process. Collection method: clinical testing. Allele origin: germline.

Color Diagnostics, LLC DBA Color Health
Classification: Benign for Familial thoracic aortic aneurysm and aortic dissection. Last evaluated: 2019-03-24. Review status: criteria provided, single submitter. Criteria: ACMG Guidelines, 2015. Collection method: clinical testing. Allele origin: germline.

Ambry Genetics
Classification: Likely benign for Familial thoracic aortic aneurysm and aortic dissection. Last evaluated: 2017-09-11. Review status: criteria provided, single submitter. Criteria: Ambry Variant Classification Scheme 2023. Collection method: clinical testing. Allele origin: germline.

Eurofins Ntd Llc (ga)
Classification: Uncertain significance. Last evaluated: 2015-05-22. Review status: criteria provided, single submitter. Criteria: EGL Classification Definitions 2015. Collection method: clinical testing. Allele origin: germline. Observed: 1 variant allele, 1 heterozygote.